The following is an entry in ClinVar:

NM_001378609.3(OTOGL):c.519G>A (p.Ser173=)

Gene: OTOGL (otogelin like; plus strand). Cytogenetic location: 12q21.31.
Variant type: single nucleotide variant.
Coding change: c.519G>A on transcript NM_001378609.3 (MANE Select); coding-DNA position 519, G replaced by A.
Protein change: p.Ser173=; no amino-acid change (serine 173 retained).
Molecular consequence: synonymous variant.
Genome position (GRCh38, 1-based): chr12:80,229,286, G>A. VCF-style: chr12-80229286-G-A. GRCh37 (hg19) VCF-style: chr12-80623066-G-A.
Other names: c.519G>A, p.Ser173= (NM_001368062.3, NM_001378610.3, NM_173591.7).
Identifiers: ClinVar variation 504790 (VCV000504790.18), dbSNP rs181528168, ClinGen allele CA6700204.

ClinVar aggregate classification (germline): Benign/Likely benign. Review status: criteria provided, multiple submitters, no conflicts (2 of 4 stars). 5 submissions from 5 submitters: Benign (2); Likely benign (2). 1 of the submissions does not count toward it. Last evaluated 2025-10-31.

Conditions:
OTOGL-related disorder. Also called: OTOGL-related condition.

Allele frequency attached by ClinVar (database versions not stated): 1000 Genomes Project 0.00060; 1000 Genomes Project 30x 0.00062; TOPMed 0.00100; gnomAD 0.00119 and 0.00121; gnomAD exomes 0.00143 and 0.00178; ExAC 0.00154; ESP Exome Variant Server 0.00228.
gnomAD v4.1: 2,745 of 1,597,354 alleles (0.17%); highest among the groups gnomAD compares: South Asian, 0.36%; 5 homozygotes.

Submissions (5):

Labcorp Genetics (formerly Invitae), Labcorp
Classification: Benign. Last evaluated: 2025-10-31. Review status: criteria provided, single submitter. Criteria: Invitae Variant Classification Sherloc (09022015). Collection method: clinical testing. Allele origin: germline.

Blueprint Genetics
Classification: Likely benign. Last evaluated: 2024-10-22. Review status: criteria provided, single submitter. Criteria: ACMG Guidelines, 2015. Collection method: clinical testing. Allele origin: germline.

GeneDx
Classification: Likely benign. Last evaluated: 2020-12-21. Review status: criteria provided, single submitter. Criteria: GeneDx Variant Classification Process June 2021. Collection method: clinical testing. Allele origin: germline. Affected: yes.

Laboratory for Molecular Medicine, Mass General Brigham Personalized Medicine
Classification: Benign. Last evaluated: 2014-11-24. Review status: criteria provided, single submitter. Criteria: LMM Criteria. Collection method: clinical testing. Allele origin: germline. Observed: 2 variant alleles.
Comment: Ser164Ser in exon 7 of OTOGL: This variant is not expected to have clinical sign ificance because it does not alter an amino acid residue and is not located with in the splice consensus sequence. It has been identified in 0.3% (27/8174) of Eu ropean American chromosomes from a broad population by the NHLBI Exome Sequencin g Project (dbSNP rs181528168).

PreventionGenetics, part of Exact Sciences
Classification: Likely benign for OTOGL-related condition. Last evaluated: 2019-11-14. Review status: no assertion criteria provided. Collection method: clinical testing. Allele origin: germline. Not counted in ClinVar's aggregate classification.
Comment: This variant is classified as likely benign based on ACMG/AMP sequence variant interpretation guidelines (Richards et al. 2015 PMID: 25741868, with internal and published modifications).